The following is an entry in ClinVar:

NM_014014.5(SNRNP200):c.51G>T (p.Ser17=)

Gene: SNRNP200 (small nuclear ribonucleoprotein U5 subunit 200; minus strand). Cytogenetic location: 2q11.2.
Variant type: single nucleotide variant.
Coding change: c.51G>T on transcript NM_014014.5 (MANE Select); coding-DNA position 51, G replaced by T.
Protein change: p.Ser17=; no amino-acid change (serine 17 retained).
Molecular consequence: synonymous variant.
Genome position (GRCh38, 1-based): chr2:96,304,863, C>A on the plus strand (G>T on the coding strand, the complement: SNRNP200 is on the minus strand). VCF-style: chr2-96304863-C-A. GRCh37 (hg19) VCF-style: chr2-96970601-C-A.
Other names: c.51G>T (NM_014014.4).
Identifiers: ClinVar variation 1133852 (VCV001133852.11), dbSNP rs139172908, ClinGen allele CA1779266.

ClinVar aggregate classification (germline): Likely benign. Review status: criteria provided, multiple submitters, no conflicts (2 of 4 stars). 3 submissions from 3 submitters: Likely benign (3). Last evaluated 2026-04-08.

Conditions:
SNRNP200-related disorder. Also called: SNRNP200-related condition.

Allele frequency attached by ClinVar (database versions not stated): ExAC 0.00002; gnomAD exomes 0.00003; gnomAD 0.00008; TOPMed 0.00014; ESP Exome Variant Server 0.00015; 1000 Genomes Project 30x 0.00016; 1000 Genomes Project 0.00020.
gnomAD v4.1: 37 of 1,614,042 alleles (0.0023%); highest among the groups gnomAD compares: African/African-American, 0.037%; no homozygotes.

Submissions (3):

PreventionGenetics, part of Exact Sciences
Classification: Likely benign for SNRNP200-related condition. Last evaluated: 2026-04-08. Review status: criteria provided, single submitter. Criteria: ACMG Guidelines, 2015. Collection method: clinical testing. Allele origin: germline.
Comment: This variant is classified as likely benign based on ACMG/AMP sequence variant interpretation guidelines (Richards et al. 2015 PMID: 25741868, with internal and published modifications).

Labcorp Genetics (formerly Invitae), Labcorp
Classification: Likely benign. Last evaluated: 2025-03-03. Review status: criteria provided, single submitter. Criteria: Invitae Variant Classification Sherloc (09022015). Collection method: clinical testing. Allele origin: germline.

Blueprint Genetics
Classification: Likely benign. Last evaluated: 2019-07-25. Review status: criteria provided, single submitter. Criteria: ACMG Guidelines, 2015. Collection method: clinical testing. Allele origin: germline.